The following is an entry in ClinVar:

NM_000059.4(BRCA2):c.6581T>C (p.Ile2194Thr)

Gene: BRCA2 (BRCA2 DNA repair associated; plus strand). Cytogenetic location: 13q13.1.
Variant type: single nucleotide variant.
Coding change: c.6581T>C on transcript NM_000059.4 (MANE Select); coding-DNA position 6581, T replaced by C.
Protein change: p.Ile2194Thr; replaces isoleucine 2194 with threonine.
Molecular consequence: missense variant.
Genome position (GRCh38, 1-based): chr13:32,340,936, T>C. VCF-style: chr13-32340936-T-C. GRCh37 (hg19) VCF-style: chr13-32915073-T-C.
Other names: short protein forms I2194T.
Identifiers: ClinVar variation 232883 (VCV000232883.20), dbSNP rs876660049, ClinGen allele CA10579703.

ClinVar aggregate classification (germline): Conflicting classifications of pathogenicity. Review status: criteria provided, conflicting classifications (1 of 4 stars). 6 submissions from 6 submitters: Uncertain significance (4); Likely benign (1). 1 of the submissions does not count toward it. Last evaluated 2025-06-02.

Conditions:
Hereditary cancer-predisposing syndrome. Also called: Hereditary Cancer Syndrome; Neoplastic Syndromes, Hereditary; Tumor predisposition; Hereditary neoplastic syndrome. Identifiers: Orphanet 140162, MedGen C0027672, MeSH D009386, MONDO:0015356.
Breast-ovarian cancer, familial, susceptibility to, 2 (BROVCA2). Also called: BRCA2 Hereditary Breast and Ovarian Cancer. Identifiers: Orphanet 145, MedGen C2675520, MONDO:0012933, OMIM 612555. Disease mechanism: loss of function.
Hereditary breast ovarian cancer syndrome. Also called: Hereditary breast and/or ovarian cancer syndrome; BRCA1- and BRCA2-Associated Hereditary Breast and Ovarian Cancer; Hereditary breast and ovarian cancer syndrome (HBOC); Hereditary breast and ovarian cancer; Hereditary breast and ovarian cancer syndrome; Breast and ovarian cancer. Identifiers: Orphanet 145, MedGen C0677776, MeSH D061325, MONDO:0003582. Disease mechanism: loss of function.

Allele frequency attached by ClinVar (database versions not stated): gnomAD exomes below 0.00001; TOPMed below 0.00001.
gnomAD v4.1: 2 of 1,610,136 alleles (0.00012%); highest among the groups gnomAD compares: Non-Finnish European, 0.00017%; no homozygotes.

Submissions (6):

Ambry Genetics
Classification: Uncertain significance for Hereditary cancer-predisposing syndrome. Last evaluated: 2025-06-02. Review status: criteria provided, single submitter. Criteria: Ambry Variant Classification Scheme 2023. Collection method: clinical testing. Allele origin: germline.
Comment: The p.I2194T variant (also known as c.6581T>C), located in coding exon 10 of the BRCA2 gene, results from a T to C substitution at nucleotide position 6581. The isoleucine at codon 2194 is replaced by threonine, an amino acid with similar properties. This amino acid position is not well conserved in available vertebrate species. In addition, this alteration is predicted to be tolerated by in silico analysis. Based on the available evidence, the clinical significance of this variant remains unclear.

Labcorp Genetics (formerly Invitae), Labcorp
Classification: Uncertain significance for Hereditary breast ovarian cancer syndrome. Last evaluated: 2025-04-09. Review status: criteria provided, single submitter. Criteria: Invitae Variant Classification Sherloc (09022015). Collection method: clinical testing. Allele origin: germline.
Comment: This sequence change replaces isoleucine, which is neutral and non-polar, with threonine, which is neutral and polar, at codon 2194 of the BRCA2 protein (p.Ile2194Thr). This variant is present in population databases (no rsID available, gnomAD 0.0009%). This variant has not been reported in the literature in individuals affected with BRCA2-related conditions. ClinVar contains an entry for this variant (Variation ID: 232883). Invitae Evidence Modeling of protein sequence and biophysical properties (such as structural, functional, and spatial information, amino acid conservation, physicochemical variation, residue mobility, and thermodynamic stability) indicates that this missense variant is not expected to disrupt BRCA2 protein function with a negative predictive value of 95%. In summary, the available evidence is currently insufficient to determine the role of this variant in disease. Therefore, it has been classified as a Variant of Uncertain Significance.

All of Us Research Program, National Institutes of Health
Classification: Uncertain significance for Breast-ovarian cancer, familial, susceptibility to, 2. Last evaluated: 2023-08-23. Review status: criteria provided, single submitter. Criteria: ACMG Guidelines, 2015. Collection method: clinical testing. Allele origin: germline. Inheritance: Autosomal dominant inheritance. Observed: 1 variant allele, 1 heterozygote.
Comment: This missense variant replaces isoleucine with threonine at codon 2194 of the BRCA2 protein. Computational prediction suggests that this variant may not impact protein structure and function (internally defined REVEL score threshold <= 0.5, PMID: 27666373). To our knowledge, functional studies have not been reported for this variant. This variant has not been reported in individuals affected with BRCA2-related disorders in the literature. This variant has been identified in 1/246832 chromosomes in the general population by the Genome Aggregation Database (gnomAD). The available evidence is insufficient to determine the role of this variant in disease conclusively. Therefore, this variant is classified as a Variant of Uncertain Significance.

This study involves interpretation of variants in research participants for the purpose of population health screening. Participant phenotype was not available at the time of variant classification. Additional details can be found in publication PMID: 35346344, PMCID: PMC8962531

Color Diagnostics, LLC DBA Color Health
Classification: Uncertain significance for Hereditary cancer-predisposing syndrome. Last evaluated: 2023-08-04. Review status: criteria provided, single submitter. Criteria: ACMG Guidelines, 2015. Collection method: clinical testing. Allele origin: germline.
Comment: This missense variant replaces isoleucine with threonine at codon 2194 of the BRCA2 protein. Computational prediction suggests that this variant may not impact protein structure and function (internally defined REVEL score threshold <= 0.5, PMID: 27666373). To our knowledge, functional studies have not been reported for this variant. This variant has not been reported in individuals affected with BRCA2-related disorders in the literature. This variant has been identified in 1/246832 chromosomes in the general population by the Genome Aggregation Database (gnomAD). The available evidence is insufficient to determine the role of this variant in disease conclusively. Therefore, this variant is classified as a Variant of Uncertain Significance.

University of Washington Department of Laboratory Medicine, University of Washington
Classification: Likely benign for Hereditary cancer-predisposing syndrome. Last evaluated: 2023-03-23. Review status: criteria provided, single submitter. Criteria: Dines et al. (Genet Med. 2020). Collection method: curation. Allele origin: germline.
Comment: Missense variant in a coldspot region where missense variants are very unlikely to be pathogenic (PMID:31911673).

BRCA2 exon 11 coldspot. Reclassification based on statistical prior probability.

BRCAlab, Lund University
Classification: Uncertain significance for Breast-ovarian cancer, familial, susceptibility to, 2. Last evaluated: 2020-03-02. Review status: no assertion criteria provided. Collection method: clinical testing. Allele origin: germline. Affected: yes. Not counted in ClinVar's aggregate classification.